The following is an entry in ClinVar:

NM_000051.4(ATM):c.5762+3A>T

Gene: ATM (ATM serine/threonine kinase; plus strand). Cytogenetic location: 11q22.3.
Variant type: single nucleotide variant.
Coding change: c.5762+3A>T on transcript NM_000051.4 (MANE Select); 3 bases into the intron after coding-DNA position 5762, A replaced by T.
Molecular consequence: intron variant.
Genome position (GRCh38, 1-based): chr11:108,307,987, A>T. VCF-style: chr11-108307987-A-T. GRCh37 (hg19) VCF-style: chr11-108178714-A-T.
Other names: c.5762+3A>T (NM_001351834.2).
Identifiers: ClinVar variation 2109014 (VCV002109014.4), dbSNP rs2547006527, ClinGen allele CA2580083436.

ClinVar aggregate classification (germline): Uncertain significance (1 of 4 stars; one submission).

Conditions:
Ataxia-telangiectasia syndrome (AT). Also called: AT, COMPLEMENTATION GROUP C; Ataxia telangiectasia (A-T); LOUIS-BAR SYNDROME; Ataxia-telangiectasia, complementation group D; Ataxia-telangiectasia, complementation group E; ATAXIA-TELANGIECTASIA, COMPLEMENTATION GROUP A. Identifiers: Orphanet 100, MedGen C0004135, MONDO:0008840, OMIM 208900.

Submission:

Labcorp Genetics (formerly Invitae), Labcorp
Classification: Uncertain significance for Ataxia-telangiectasia syndrome. Last evaluated: 2022-03-11. Review status: criteria provided, single submitter. Criteria: Invitae Variant Classification Sherloc (09022015). Collection method: clinical testing. Allele origin: germline.
Comment: In summary, the available evidence is currently insufficient to determine the role of this variant in disease. Therefore, it has been classified as a Variant of Uncertain Significance. Variants that disrupt the consensus splice site are a relatively common cause of aberrant splicing (PMID: 17576681, 9536098). Algorithms developed to predict the effect of sequence changes on RNA splicing suggest that this variant may disrupt the consensus splice site. This variant has not been reported in the literature in individuals affected with ATM-related conditions. This variant is not present in population databases (gnomAD no frequency). This sequence change falls in intron 38 of the ATM gene. It does not directly change the encoded amino acid sequence of the ATM protein. It affects a nucleotide within the consensus splice site.

Literature cited by the submitters: PubMed 17576681; PubMed 9536098.